The following is an entry in ClinVar:

ClinVar aggregate classification (germline): Uncertain significance. Review status: criteria provided, multiple submitters, no conflicts (2 of 4 stars). 3 submissions from 3 submitters: Uncertain significance (2). 1 of the submissions does not count toward it. Last evaluated 2021-06-15.

Conditions:
Inborn genetic diseases. Identifiers: MedGen C0950123, MeSH D030342.
AFF2-related disorder. Also called: AFF2-related condition.

Allele frequency attached by ClinVar (database versions not stated): TOPMed 0.00040; gnomAD 0.00042 and 0.00043; gnomAD exomes 0.00050 and 0.00025; ESP Exome Variant Server 0.00019; ExAC 0.00020; 1000 Genomes Project 30x 0.00021; 1000 Genomes Project 0.00026.
gnomAD v4.1: 577 of 1,178,943 alleles (0.049%); highest among the groups gnomAD compares: Non-Finnish European, 0.06%; no homozygotes.

Submissions (3):

Ambry Genetics
Classification: Uncertain significance for Inborn genetic diseases. Last evaluated: 2021-06-15. Review status: criteria provided, single submitter. Criteria: Ambry Variant Classification Scheme 2023. Collection method: clinical testing. Allele origin: germline.

Eurofins Ntd Llc (ga)
Classification: Uncertain significance. Last evaluated: 2015-10-19. Review status: criteria provided, single submitter. Criteria: EGL Classification Definitions 2015. Collection method: clinical testing. Allele origin: germline. Observed: 3 variant alleles, 3 heterozygotes.

PreventionGenetics, part of Exact Sciences
Classification: Likely benign for AFF2-related condition. Last evaluated: 2023-12-10. Review status: no assertion criteria provided. Collection method: clinical testing. Allele origin: germline. Not counted in ClinVar's aggregate classification.
Comment: This variant is classified as likely benign based on ACMG/AMP sequence variant interpretation guidelines (Richards et al. 2015 PMID: 25741868, with internal and published modifications).

NM_002025.4(AFF2):c.1097A>G (p.His366Arg)

Gene: AFF2 (ALF transcription elongation factor 2; plus strand). Cytogenetic location: Xq28.
Variant type: single nucleotide variant.
Coding change: c.1097A>G on transcript NM_002025.4 (MANE Select); coding-DNA position 1097, A replaced by G.
Protein change: p.His366Arg; replaces histidine 366 with arginine.
Molecular consequence: missense variant. On other transcripts: intron variant (4).
Genome position (GRCh38, 1-based): chrX:148,837,657, A>G. VCF-style: chrX-148837657-A-G. GRCh37 (hg19) VCF-style: chrX-147919181-A-G.
Other names: c.1085A>G, p.His362Arg (NM_001169123.2); c.1087-5309A>G (NM_001169124.2); c.1075-5309A>G (NM_001169122.2, NM_001169125.2); c.97-5309A>G (NM_001170628.1); c.1097A>G (NM_002025.3); short protein forms H366R, H362R.
Identifiers: ClinVar variation 283357 (VCV000283357.8), dbSNP rs199574795, ClinGen allele CA10536912.